The following is an entry in ClinVar:

NM_000541.5(SAG):c.181+6A>G

Gene: SAG (S-antigen visual arrestin; plus strand). Cytogenetic location: 2q37.1.
Variant type: single nucleotide variant.
Coding change: c.181+6A>G on transcript NM_000541.5 (MANE Select); 6 bases into the intron after coding-DNA position 181, A replaced by G.
Molecular consequence: intron variant.
Genome position (GRCh38, 1-based): chr2:233,318,801, A>G. VCF-style: chr2-233318801-A-G. GRCh37 (hg19) VCF-style: chr2-234227447-A-G.
Other names: c.181+6A>G (NM_000541.4).
Identifiers: ClinVar variation 1349283 (VCV001349283.8), dbSNP rs370144064, ClinGen allele CA2174244.

ClinVar aggregate classification (germline): Conflicting classifications of pathogenicity. Review status: criteria provided, conflicting classifications (1 of 4 stars). 3 submissions from 3 submitters: Uncertain significance (1); Likely benign (2). Last evaluated 2026-01-14.

Conditions:
SAG-related disorder. Also called: SAG-related condition; SAG-related disorders.

Allele frequency attached by ClinVar (database versions not stated): gnomAD exomes 0.00001 and 0.00002; ExAC 0.00003; gnomAD 0.00012 and 0.00013; TOPMed 0.00012; ESP Exome Variant Server 0.00024.
gnomAD v4.1: 28 of 1,613,196 alleles (0.0017%); highest among the groups gnomAD compares: African/African-American, 0.033%; no homozygotes.

Submissions (3):

PreventionGenetics, part of Exact Sciences
Classification: Likely benign for SAG-related condition. Last evaluated: 2026-01-14. Review status: criteria provided, single submitter. Criteria: ACMG Guidelines, 2015. Collection method: clinical testing. Allele origin: germline.
Comment: This variant is classified as likely benign based on ACMG/AMP sequence variant interpretation guidelines (Richards et al. 2015 PMID: 25741868, with internal and published modifications).

Labcorp Genetics (formerly Invitae), Labcorp
Classification: Uncertain significance. Last evaluated: 2024-11-19. Review status: criteria provided, single submitter. Criteria: Invitae Variant Classification Sherloc (09022015). Collection method: clinical testing. Allele origin: germline.
Comment: This sequence change falls in intron 4 of the SAG gene. It does not directly change the encoded amino acid sequence of the SAG protein. It affects a nucleotide within the consensus splice site. This variant is present in population databases (rs370144064, gnomAD 0.03%). This variant has not been reported in the literature in individuals affected with SAG-related conditions. ClinVar contains an entry for this variant (Variation ID: 1349283). Variants that disrupt the consensus splice site are a relatively common cause of aberrant splicing (PMID: 17576681, 9536098). Algorithms developed to predict the effect of sequence changes on RNA splicing suggest that this variant is not likely to affect RNA splicing. In summary, the available evidence is currently insufficient to determine the role of this variant in disease. Therefore, it has been classified as a Variant of Uncertain Significance.

Blueprint Genetics
Classification: Likely benign. Last evaluated: 2021-03-29. Review status: criteria provided, single submitter. Criteria: ACMG Guidelines, 2015. Collection method: clinical testing. Allele origin: germline.

Literature cited by the submitters: PubMed 17576681 (cited by Labcorp Genetics (formerly Invitae), Labcorp); PubMed 9536098 (cited by Labcorp Genetics (formerly Invitae), Labcorp).